The following is an entry in ClinVar:

ClinVar aggregate classification (germline): Uncertain significance (1 of 4 stars; one submission).

Submission:

Labcorp Genetics (formerly Invitae), Labcorp
Classification: Uncertain significance. Last evaluated: 2021-11-13. Review status: criteria provided, single submitter. Criteria: Invitae Variant Classification Sherloc (09022015). Collection method: clinical testing. Allele origin: germline.
Comment: This variant has not been reported in the literature in individuals affected with ICK-related conditions. A copy number gain of the genomic region encompassing the full coding sequence of the ICK gene has been identified. The boundaries of this event are unknown as they extend beyond the assayed region for this gene and therefore may encompass additional genes. As the precise location of this event is unknown, it may be in tandem or it may be located elsewhere in the genome. In summary, the available evidence is currently insufficient to determine the role of this variant in disease. Therefore, it has been classified as a Variant of Uncertain Significance.

NC_000006.11:g.(?_52869947)_(52906034_?)dup

Gene: CILK1 (ciliogenesis associated kinase 1; minus strand). Cytogenetic location: 6p12.2-12.1.
Variant type: Duplication.
Identifiers: ClinVar variation 2426307 (VCV002426307.4).